The following is an entry in ClinVar:

ClinVar aggregate classification (germline): Uncertain significance. Review status: criteria provided, multiple submitters, no conflicts (2 of 4 stars). 3 submissions from 3 submitters: Uncertain significance (3). Last evaluated 2026-01-06.

Conditions:
Dilated cardiomyopathy 1AA (CMD1AA). Also called: CARDIOMYOPATHY, DILATED, 1AA, WITH OR WITHOUT LEFT VENTRICULAR NONCOMPACTION; Cardiomyopathy, dilated, 1AA, with or without LVNC; CARDIOMYOPATHY, FAMILIAL HYPERTROPHIC, 23, WITH OR WITHOUT LEFT VENTRICULAR NONCOMPACTION. Identifiers: Orphanet 154, MedGen C2677338, MONDO:0012808, OMIM 612158.
Myopathy, congenital, with structured cores and z-line abnormalities. Also called: CONGENITAL MYOPATHY 8; MULTIPLE STRUCTURED CORE DISEASE. Identifiers: MedGen C5231445, MONDO:0032852, OMIM 618654.
Myopathy, distal, 6, adult-onset, autosomal dominant. Identifiers: MedGen C5203349, MONDO:0032853, OMIM 618655.
Primary familial hypertrophic cardiomyopathy (HCM). Identifiers: Orphanet 99739, MedGen C0949658, MeSH D024741, MONDO:0024573. Inheritance: Various modes of inheritance.
Cardiomyopathy (CMYO). Also called: Cardiomyopathies. Identifiers: Orphanet 167848, MedGen C0878544, MONDO:0004994, HP:0001638. Inheritance: Various modes of inheritance.

Allele frequency attached by ClinVar (database versions not stated): TOPMed below 0.00001; gnomAD exomes 0.00001.
gnomAD v4.1: 10 of 1,614,224 alleles (0.00062%); highest among the groups gnomAD compares: Non-Finnish European, 0.00085%; no homozygotes.

Submissions (3):

Labcorp Genetics (formerly Invitae), Labcorp
Classification: Uncertain significance for Primary familial hypertrophic cardiomyopathy; Dilated cardiomyopathy 1AA. Last evaluated: 2026-01-06. Review status: criteria provided, single submitter. Criteria: Invitae Variant Classification Sherloc (09022015). Collection method: clinical testing. Allele origin: germline.
Comment: This sequence change replaces leucine, which is neutral and non-polar, with proline, which is neutral and non-polar, at codon 425 of the ACTN2 protein (p.Leu425Pro). This variant is not present in population databases (gnomAD no frequency). This variant has not been reported in the literature in individuals affected with ACTN2-related conditions. ClinVar contains an entry for this variant (Variation ID: 915594). Invitae Evidence Modeling of protein sequence and biophysical properties (such as structural, functional, and spatial information, amino acid conservation, physicochemical variation, residue mobility, and thermodynamic stability) indicates that this missense variant is not expected to disrupt ACTN2 protein function with a negative predictive value of 80%. In summary, the available evidence is currently insufficient to determine the role of this variant in disease. Therefore, it has been classified as a Variant of Uncertain Significance.

Fulgent Genetics
Classification: Uncertain significance for Dilated cardiomyopathy 1AA; Myopathy, congenital, with structured cores and z-line abnormalities; Myopathy, distal, 6, adult-onset, autosomal dominant. Last evaluated: 2021-09-12. Review status: criteria provided, single submitter. Criteria: ACMG Guidelines, 2015. Collection method: clinical testing. Allele origin: unknown.

CHEO Genetics Diagnostic Laboratory, Children's Hospital of Eastern Ontario
Classification: Uncertain significance for Cardiomyopathy. Last evaluated: 2018-10-16. Review status: criteria provided, single submitter. Criteria: ACMG Guidelines, 2015. Collection method: clinical testing. Allele origin: germline.

NM_001103.4(ACTN2):c.1274T>C (p.Leu425Pro)

Gene: ACTN2 (actinin alpha 2; plus strand). Cytogenetic location: 1q43.
Variant type: single nucleotide variant.
Coding change: c.1274T>C on transcript NM_001103.4 (MANE Select); coding-DNA position 1274, T replaced by C.
Protein change: p.Leu425Pro; replaces leucine 425 with proline.
Molecular consequence: missense variant.
Genome position (GRCh38, 1-based): chr1:236,744,644, T>C. VCF-style: chr1-236744644-T-C. GRCh37 (hg19) VCF-style: chr1-236907944-T-C.
Other names: c.1274T>C, p.Leu425Pro (NM_001278343.2); c.650T>C, p.Leu217Pro (NM_001278344.2); short protein forms L425P, L217P.
Identifiers: ClinVar variation 915594 (VCV000915594.11), dbSNP rs1572137003, ClinGen allele CA345382630.
Genomic context (GRCh38, chr1:236,744,644, plus strand): 5'-TGCCCTCAGCATATTCATACTTTCTTGCTACCACCTTTGCAGGCAAAGAGCAGATCTTGC[T>C]GCAGAAGGATTACGAGTCGGCGTCGCTGACAGAGGTGCGGGCTCTGCTGCGGAAGCACGA-3'
Protein context (NP_001094.1, residues 415-435): TWAYGKEQIL[Leu425Pro]QKDYESASLT